The following is an entry in ClinVar:

ClinVar aggregate classification (germline): Benign. Review status: criteria provided, multiple submitters, no conflicts (2 of 4 stars). 3 submissions from 3 submitters: Benign (3). Last evaluated 2025-05-05.

Conditions:
CASP14-related disorder. Also called: CASP14-related condition.

Allele frequency attached by ClinVar (database versions not stated): gnomAD exomes 0.00319; ExAC 0.00378; gnomAD 0.01166; 1000 Genomes Project 30x 0.01249; 1000 Genomes Project 0.01278; ESP Exome Variant Server 0.01322; TOPMed 0.01328.
gnomAD v4.1: 3,649 of 1,614,048 alleles (0.23%); highest among the groups gnomAD compares: African/African-American, 4%; 64 homozygotes.

Submissions (3):

PreventionGenetics, part of Exact Sciences
Classification: Benign for CASP14-related condition. Last evaluated: 2025-05-05. Review status: criteria provided, single submitter. Criteria: ACMG Guidelines, 2015. Collection method: clinical testing. Allele origin: germline.
Comment: This variant is classified as benign based on ACMG/AMP sequence variant interpretation guidelines (Richards et al. 2015 PMID: 25741868, with internal and published modifications).

Labcorp Genetics (formerly Invitae), Labcorp
Classification: Benign. Last evaluated: 2019-12-31. Review status: criteria provided, single submitter. Criteria: Invitae Variant Classification Sherloc (09022015). Collection method: clinical testing. Allele origin: germline.

Breakthrough Genomics
Classification: Benign. Review status: criteria provided, single submitter. Criteria: ACMG Guidelines, 2015. Collection method: not provided. Allele origin: germline. Inheritance: Autosomal recessive inheritance. Affected: yes.

NM_012114.3(CASP14):c.69G>A (p.Leu23=)

Gene: CASP14 (caspase 14; plus strand). Cytogenetic location: 19p13.12.
Variant type: single nucleotide variant.
Coding change: c.69G>A on transcript NM_012114.3 (MANE Select); coding-DNA position 69, G replaced by A.
Protein change: p.Leu23=; no amino-acid change (leucine 23 retained).
Molecular consequence: synonymous variant.
Genome position (GRCh38, 1-based): chr19:15,053,523, G>A. VCF-style: chr19-15053523-G-A. GRCh37 (hg19) VCF-style: chr19-15164334-G-A.
Identifiers: ClinVar variation 777293 (VCV000777293.6), dbSNP rs61731994, ClinGen allele CA9260597.